The following is an entry in ClinVar:

ClinVar aggregate classification (germline): Pathogenic (1 of 4 stars; one submission).

Conditions:
Primary ciliary dyskinesia. Also called: Ciliary dyskinesia. Identifiers: Orphanet 244, MedGen C0008780, MONDO:0016575, HP:0012265.

Submission:

Labcorp Genetics (formerly Invitae), Labcorp
Classification: Pathogenic for Primary ciliary dyskinesia. Last evaluated: 2025-07-28. Review status: criteria provided, single submitter. Criteria: Invitae Variant Classification Sherloc (09022015). Collection method: clinical testing. Allele origin: germline.
Comment: This sequence change creates a premature translational stop signal (p.Leu219Cysfs*46) in the RSPH1 gene. It is expected to result in an absent or disrupted protein product. Loss-of-function variants in RSPH1 are known to be pathogenic (PMID: 23993197). This variant is not present in population databases (gnomAD no frequency). This variant has not been reported in the literature in individuals affected with RSPH1-related conditions. ClinVar contains an entry for this variant (Variation ID: 1453029). For these reasons, this variant has been classified as Pathogenic.

Literature cited by the submitters: PubMed 23993197.

NM_080860.4(RSPH1):c.655del (p.Leu219fs)

Gene: RSPH1 (radial spoke head component 1; minus strand). Cytogenetic location: 21q22.3.
Variant type: Deletion.
Coding change: c.655del on transcript NM_080860.4 (MANE Select); coding-DNA position 655, one base deleted (C; older notation c.655delC).
Protein change: p.Leu219fs; shifts the reading frame from leucine 219.
Molecular consequence: frameshift variant.
Genome position (GRCh38, 1-based): chr21:42,477,363, G deleted on the plus strand (C on the coding strand, the reverse complement: RSPH1 is on the minus strand); the first of 3 consecutive G bases (chr21:42,477,363-42,477,365); deleting any one gives the same sequence. VCF-style (leftmost placement, unchanged base first): chr21-42477362-AG-A. GRCh37 (hg19) VCF-style: chr21-43897472-AG-A.
Other names: c.541del, p.Leu181fs (NM_001286506.2); short protein forms L181fs, L219fs.
Identifiers: ClinVar variation 1453029 (VCV001453029.6), dbSNP rs767700639, ClinGen allele CA321550092.